The following is an entry in ClinVar:

NM_000169.3(GLA):c.140G>T (p.Trp47Leu)

Genes: GLA (galactosidase alpha; minus strand), RPL36A-HNRNPH2 (RPL36A-HNRNPH2 readthrough; plus strand). Cytogenetic location: Xq22.1.
Variant type: single nucleotide variant.
Coding change: c.140G>T on transcript NM_000169.3 (MANE Select); coding-DNA position 140, G replaced by T.
Protein change: p.Trp47Leu; replaces tryptophan 47 with leucine.
Molecular consequence: missense variant. On other transcripts: non-coding transcript variant (3), intron variant (2).
Genome position (GRCh38, 1-based): chrX:101,407,764, C>A on the plus strand (G>T on the coding strand, the complement: GLA is on the minus strand). VCF-style: chrX-101407764-C-A. GRCh37 (hg19) VCF-style: chrX-100662752-C-A.
Other names: c.140G>T, p.Trp47Leu (NM_001406747.1, NM_001406748.1, NM_001406749.1); c.301-4172C>A (NM_001199973.2); c.178-4172C>A (NM_001199974.2); short protein forms W47L.
Identifiers: ClinVar variation 4087679 (VCV004087679.2).
Genomic context (GRCh38, chrX:101,407,764, plus strand): 5'-TGATACCTGATGCAGGAATCTGGCTCTTCCTGGCAGTCAAGGTTGCACATGAAGCGCTCC[C>A]AGTGCAGCCAGCCCATGGTAGGCGTCCTTGCCAATCCATTGTCCAGTGCTCTAGCCCCAG-3'
Protein context (NP_000160.1, residues 37-57): ARTPTMGWLH[Trp47Leu]ERFMCNLDCQ

ClinVar aggregate classification (germline): Likely pathogenic (1 of 4 stars; one submission).

Conditions:
Fabry disease. Also called: ALPHA-GALACTOSIDASE A DEFICIENCY; ANDERSON-FABRY DISEASE; CERAMIDE TRIHEXOSIDASE DEFICIENCY; GLA DEFICIENCY; HEREDITARY DYSTOPIC LIPIDOSIS; Angiokeratoma corporis diffusum. Identifiers: Orphanet 324, MedGen C0002986, MONDO:0010526, OMIM 301500, HP:0001071. Disease mechanism: Fabry disease is due to inactivating mutations in the X-linked GLA gene resulting in deficiency of the enzyme Alpha Galactosidase-A., loss of function.

Submission:

Genomenon, Inc
Classification: Likely pathogenic for Fabry disease. Last evaluated: 2026-09-08. Review status: criteria provided, single submitter. Criteria: Genomenon Sequence Variant Interpretation Standards - Updated. Collection method: curation. Allele origin: germline. Affected: no.
Comment: GLA p.Trp47Leu (c.140G>T) is a missense variant that changes the amino acid at codon 47 from Tryptophan to Leucine. This variant has been reported in the published literature (PMID:27211852;34944500). At least one functional study has demonstrated a substantial alteration in protein function relative to the wild-type (PMID:27657681). This variant is located in a mutational hotspot and/or important functional domain. It is absent or not present at a significant frequency in gnomAD. In silico models predict that this variant is possibly or probably damaging. In conclusion, we classify GLA p.Trp47Leu (c.140G>T) as a likely pathogenic variant.

Literature cited by the submitters: PubMed 27211852; PubMed 34944500; PubMed 27657681.